The following is an entry in ClinVar:

ClinVar aggregate classification (germline): Benign/Likely benign. Review status: criteria provided, multiple submitters, no conflicts (2 of 4 stars). 25 submissions from 23 submitters: Benign (18); Likely benign (3). 4 of the submissions do not count toward it. Last evaluated 2026-02-04.

Conditions:
Cardiovascular phenotype. Identifiers: MedGen CN230736.
Left ventricular noncompaction 10 (LVNC10). Identifiers: Orphanet 154, Orphanet 54260, MedGen C3715165, MONDO:0014163, OMIM 615396.
Cardiomyopathy (CMYO). Also called: Cardiomyopathies. Identifiers: Orphanet 167848, MedGen C0878544, MONDO:0004994, HP:0001638. Inheritance: Various modes of inheritance.
Hypertrophic cardiomyopathy 4. Also called: Familial hypertrophic cardiomyopathy 4. Identifiers: MedGen C1861862, MONDO:0007268, OMIM 115197.
Hypertrophic cardiomyopathy. Also called: HYPERTROPHIC MYOCARDIOPATHY. Identifiers: Orphanet 217569, MedGen C0007194, MeSH D002312, MONDO:0005045, HP:0001639.

Allele frequency attached by ClinVar (database versions not stated): gnomAD 0.09513 and 0.09621; ESP Exome Variant Server 0.10344; ExAC 0.10789; 1000 Genomes Project 0.06709; 1000 Genomes Project 30x 0.06683; gnomAD exomes 0.09643 and 0.12058; TOPMed 0.08941.
gnomAD v4.1: 189,977 of 1,612,892 alleles (12%); highest among the groups gnomAD compares: Non-Finnish European, 13%; 12,149 homozygotes.

Submissions (25):

Labcorp Genetics (formerly Invitae), Labcorp
Classification: Benign for Hypertrophic cardiomyopathy. Last evaluated: 2026-02-04. Review status: criteria provided, single submitter. Criteria: Invitae Variant Classification Sherloc (09022015). Collection method: clinical testing. Allele origin: germline.

ARUP Laboratories, Molecular Genetics and Genomics, ARUP Laboratories
Classification: Benign. Last evaluated: 2025-07-28. Review status: criteria provided, single submitter. Criteria: ARUP Molecular Germline Variant Investigation Process 2024. Collection method: clinical testing. Allele origin: germline.

Blueprint Genetics
Classification: Benign. Last evaluated: 2024-11-27. Review status: criteria provided, single submitter. Criteria: ACMG Guidelines, 2015. Collection method: clinical testing. Allele origin: germline.

All of Us Research Program, National Institutes of Health
Classification: Benign for Hypertrophic cardiomyopathy. Last evaluated: 2024-02-05. Review status: criteria provided, single submitter. Criteria: ACMG Guidelines, 2015. Collection method: clinical testing. Allele origin: germline. Inheritance: Autosomal dominant inheritance. Observed: 21,730 variant alleles, 20,387 heterozygotes, 1,343 homozygotes.
Comment: This study involves interpretation of variants in research participants for the purpose of population health screening. Participant phenotype was not available at the time of variant classification. Additional details can be found in publication PMID: 35346344, PMCID: PMC8962531

Genome-Nilou Lab
Classification: Benign for Left ventricular noncompaction 10. Last evaluated: 2021-09-05. Review status: criteria provided, single submitter. Criteria: ACMG Guidelines, 2015. Collection method: clinical testing. Allele origin: germline. Affected: no.

Genome-Nilou Lab
Classification: Benign for Hypertrophic cardiomyopathy 4. Last evaluated: 2021-09-05. Review status: criteria provided, single submitter. Criteria: ACMG Guidelines, 2015. Collection method: clinical testing. Allele origin: germline. Affected: no.

Color Diagnostics, LLC DBA Color Health
Classification: Benign for Cardiomyopathy. Last evaluated: 2018-03-19. Review status: criteria provided, single submitter. Criteria: ACMG Guidelines, 2015. Collection method: clinical testing. Allele origin: germline.

Stanford Center for Inherited Cardiovascular Disease, Stanford University
Classification: Benign. Last evaluated: 2017-10-03. Review status: criteria provided, single submitter. Criteria: ACMG Guidelines, 2015. Collection method: provider interpretation. Allele origin: germline.

Illumina Laboratory Services, Illumina
Classification: Likely benign for Hypertrophic cardiomyopathy 4. Last evaluated: 2017-04-27. Review status: criteria provided, single submitter. Criteria: ICSL Variant Classification Criteria 13 December 2019. Collection method: clinical testing. Allele origin: germline.
Comment: This variant was observed as part of a predisposition screen in an ostensibly healthy population. A literature search was performed for the gene, cDNA change, and amino acid change (where applicable). No publications were found based on this search. Allele frequency data from public databases allowed determination this variant is unlikely to cause disease. Therefore, this variant is classified as likely benign.

Illumina Laboratory Services, Illumina
Classification: Likely benign for Left ventricular noncompaction 10. Last evaluated: 2017-04-27. Review status: criteria provided, single submitter. Criteria: ICSL Variant Classification Criteria 13 December 2019. Collection method: clinical testing. Allele origin: germline.
Comment: the same text as in the submission from Illumina Laboratory Services, Illumina above.

Clinical Genetics DNA and cytogenetics Diagnostics Lab, Erasmus MC, Erasmus Medical Center
Classification: Benign for Hypertrophic cardiomyopathy 4. Last evaluated: 2015-09-21. Review status: criteria provided, single submitter. Criteria: ACGS Guidelines, 2013. Collection method: clinical testing. Allele origin: germline. Affected: yes. Study: VKGL Data-share Consensus.

Ambry Genetics
Classification: Benign for Cardiovascular phenotype. Last evaluated: 2015-03-11. Review status: criteria provided, single submitter. Criteria: Ambry Variant Classification Scheme 2023. Collection method: clinical testing. Allele origin: germline.

Genome Diagnostics Laboratory, University Medical Center Utrecht
Classification: Benign for Hypertrophic cardiomyopathy 4. Last evaluated: 2014-10-09. Review status: criteria provided, single submitter. Criteria: ACGS Guidelines, 2013. Collection method: clinical testing. Allele origin: germline. Affected: yes. Study: VKGL Data-share Consensus.

Mayo Clinic Laboratories, Mayo Clinic
Classification: Benign. Last evaluated: 2014-05-07. Review status: criteria provided, single submitter. Criteria: ACMG Guidelines, 2015. Collection method: clinical testing. Allele origin: germline. Observed: 349 variant alleles.

Biesecker Lab/Clinical Genomics Section, National Institutes of Health
Classification: Benign for Cardiomyopathy, hypertrophic. Last evaluated: 2013-06-24. Review status: criteria provided, single submitter. Criteria: Ng et al. (Circ Cardiovasc Genet. 2013). Collection method: research. Allele origin: unknown. Observed: 115 variant alleles. Study: ClinSeq.
Comment: The study set was not selected for affection status in relation to any cancer. HGMD phenotype assertion is uncertain. Pathogenicity categories were based on literature curation. See Pubmed ID:23861362 for details.

Medical sequencing

Eurofins Ntd Llc (ga)
Classification: Benign. Last evaluated: 2013-03-12. Review status: criteria provided, single submitter. Criteria: EGL Classification Definitions 2015. Collection method: clinical testing. Allele origin: germline. Observed: 1 variant allele, 1 heterozygote.

GeneDx
Classification: Benign. Last evaluated: 2011-07-12. Review status: criteria provided, single submitter. Criteria: GeneDx Variant Classification (06012015). Collection method: clinical testing. Allele origin: germline. Affected: yes.
Comment: This variant is considered likely benign or benign based on one or more of the following criteria: it is a conservative change, it occurs at a poorly conserved position in the protein, it is predicted to be benign by multiple in silico algorithms, and/or has population frequency not consistent with disease.

Laboratory for Molecular Medicine, Mass General Brigham Personalized Medicine
Classification: Benign. Last evaluated: 2008-01-18. Review status: criteria provided, single submitter. Criteria: LMM Criteria. Collection method: clinical testing. Allele origin: germline. Observed: 1,114 variant alleles.

Breakthrough Genomics
Classification: Likely benign. Review status: criteria provided, single submitter. Criteria: ACMG Guidelines, 2015. Collection method: not provided. Allele origin: germline. Inheritance: Autosomal dominant inheritance. Affected: yes.

Molecular Diagnostic Laboratory for Inherited Cardiovascular Disease, Montreal Heart Institute
Classification: Benign. Review status: criteria provided, single submitter. Criteria: ACMG Guidelines, 2015. Collection method: clinical testing. Allele origin: germline. Affected: yes.

PreventionGenetics, part of Exact Sciences
Classification: Benign. Review status: criteria provided, single submitter. Criteria: ACMG Guidelines, 2015. Collection method: clinical testing. Allele origin: germline.

Cohesion Phenomics
Classification: Benign for Hypertrophic cardiomyopathy. Last evaluated: 2022-10-10. Review status: no assertion criteria provided. Criteria: ACMG Guidelines, 2015. Collection method: clinical testing. Allele origin: germline. Affected: yes. Not counted in ClinVar's aggregate classification.

Clinical Genetics, Academic Medical Center
Classification: Benign. Review status: no assertion criteria provided. Collection method: clinical testing. Allele origin: germline. Affected: yes. Study: VKGL Data-share Consensus. Not counted in ClinVar's aggregate classification.

Diagnostic Laboratory, Department of Genetics, University Medical Center Groningen
Classification: Benign for Hypertrophic cardiomyopathy 4. Review status: no assertion criteria provided. Collection method: clinical testing. Allele origin: germline. Affected: yes. Study: VKGL Data-share Consensus. Not counted in ClinVar's aggregate classification.

Joint Genome Diagnostic Labs from Nijmegen and Maastricht, Radboudumc and MUMC+
Classification: Benign. Review status: no assertion criteria provided. Collection method: clinical testing. Allele origin: germline. Affected: yes. Study: VKGL Data-share Consensus. Not counted in ClinVar's aggregate classification.

Literature cited by the submitters: PubMed 12110947 (cited by Laboratory for Molecular Medicine, Mass General Brigham Personalized Medicine); PubMed 12818575 (cited by Laboratory for Molecular Medicine, Mass General Brigham Personalized Medicine); PubMed 14563344 (cited by Laboratory for Molecular Medicine, Mass General Brigham Personalized Medicine); PubMed 15519027 (cited by Laboratory for Molecular Medicine, Mass General Brigham Personalized Medicine).

NM_000256.3(MYBPC3):c.706A>G (p.Ser236Gly)

Gene: MYBPC3 (myosin binding protein C3; minus strand). Cytogenetic location: 11p11.2.
Variant type: single nucleotide variant.
Coding change: c.706A>G on transcript NM_000256.3 (MANE Select); coding-DNA position 706, A replaced by G.
Protein change: p.Ser236Gly; replaces serine 236 with glycine.
Molecular consequence: missense variant.
Genome position (GRCh38, 1-based): chr11:47,348,490, T>C on the plus strand (A>G on the coding strand, the complement: MYBPC3 is on the minus strand). VCF-style: chr11-47348490-T-C. GRCh37 (hg19) VCF-style: chr11-47370041-T-C.
Other names: p.S236G:AGC>GGC; short protein forms S236G.
Identifiers: ClinVar variation 42786 (VCV000042786.58), dbSNP rs3729989, ClinGen allele CA015725.